The following is an entry in ClinVar:

ClinVar aggregate classification (germline): Uncertain significance (1 of 4 stars; one submission).

Allele frequency attached by ClinVar (database versions not stated): TOPMed 0.00002; gnomAD 0.00003.
gnomAD v4.1: 52 of 1,613,804 alleles (0.0032%); highest among the groups gnomAD compares: East Asian, 0.0045%; no homozygotes.

Submission:

Labcorp Genetics (formerly Invitae), Labcorp
Classification: Uncertain significance. Last evaluated: 2023-01-14. Review status: criteria provided, single submitter. Criteria: Invitae Variant Classification Sherloc (09022015). Collection method: clinical testing. Allele origin: germline.
Comment: In summary, the available evidence is currently insufficient to determine the role of this variant in disease. Therefore, it has been classified as a Variant of Uncertain Significance. Algorithms developed to predict the effect of missense changes on protein structure and function are either unavailable or do not agree on the potential impact of this missense change (SIFT: "Deleterious"; PolyPhen-2: "Probably Damaging"; Align-GVGD: "Class C0"). This variant has not been reported in the literature in individuals affected with RNF213-related conditions. This variant is present in population databases (rs746145556, gnomAD 0.01%). This sequence change replaces alanine, which is neutral and non-polar, with threonine, which is neutral and polar, at codon 3115 of the RNF213 protein (p.Ala3115Thr).

NM_001256071.3(RNF213):c.9343G>A (p.Ala3115Thr)

Gene: RNF213 (ring finger protein 213; plus strand). Cytogenetic location: 17q25.3.
Variant type: single nucleotide variant.
Coding change: c.9343G>A on transcript NM_001256071.3 (MANE Select); coding-DNA position 9343, G replaced by A.
Protein change: p.Ala3115Thr; replaces alanine 3115 with threonine.
Molecular consequence: missense variant.
Genome position (GRCh38, 1-based): chr17:80,347,678, G>A. VCF-style: chr17-80347678-G-A. GRCh37 (hg19) VCF-style: chr17-78321478-G-A.
Other names: c.9490G>A, p.Ala3164Thr (NM_001410195.1, NM_020914.5); short protein forms A3164T, A3115T.
Identifiers: ClinVar variation 2916234 (VCV002916234.3), dbSNP rs746145556, ClinGen allele CA8821105.
Genomic context (GRCh38, chr17:80,347,678, plus strand): 5'-GAAACAGGCAAGATGGTGTTGCTTCTCAACCTGCAGAACCTCTACGAGAGCCTCTACGAC[G>A]CACTCAACCAGTACTACGTCCACCTCGGCGGCCAGAAGTACGTGGACCTCGGTCTGGGGA-3'
Protein context (NP_001243000.2, residues 3105-3125): LQNLYESLYD[Ala3115Thr]LNQYYVHLGG